The following is an entry in ClinVar:

ClinVar aggregate classification (germline): Likely benign. Review status: criteria provided, multiple submitters, no conflicts (2 of 4 stars). 4 submissions from 4 submitters: Likely benign (3). 1 of the submissions does not count toward it. Last evaluated 2024-11-12.

Conditions:
Hereditary factor VIII deficiency disease (HEMA). Also called: AUTOSOMAL HEMOPHILIA A; Hemophilia A; Hemophilia A, congenital; HEM A; Factor 8 deficiency, congenital; HEMOPHILIA, CLASSIC. Identifiers: Orphanet 98878, MedGen C0019069, MONDO:0010602, OMIM 306700.
F8-related disorder. Also called: F8-related condition.

Allele frequency attached by ClinVar (database versions not stated): gnomAD 0.00004 and 0.00024; ESP Exome Variant Server 0.00009; TOPMed 0.00009; gnomAD exomes 0.00033 and 0.00067; ExAC 0.00079; 1000 Genomes Project 30x 0.00104; 1000 Genomes Project 0.00132.
gnomAD v4.1: 399 of 1,210,207 alleles (0.033%); highest among the groups gnomAD compares: South Asian, 0.61%; 3 homozygotes.

Submissions (4):

Women's Health and Genetics/Laboratory Corporation of America, LabCorp
Classification: Likely benign. Last evaluated: 2024-11-12. Review status: criteria provided, single submitter. Criteria: LabCorp Variant Classification Summary - May 2015. Collection method: clinical testing. Allele origin: germline.
Comment: Variant summary: F8 c.3376A>T (p.Arg1126Trp) results in a non-conservative amino acid change in the encoded protein sequence. Three of five in-silico tools predict a damaging effect of the variant on protein function. The variant allele was found at a frequency of 0.00067 in 182303 control chromosomes, predominantly at a frequency of 0.0063 within the South Asian subpopulation in the gnomAD database. This frequency is not significantly higher than estimated for a pathogenic variant in F8 causing Factor VIII Deficiency (Hemophilia A) (0.00067 vs 0.0098), but a total of 77 hemizygotes in gnomAD suggests the variant may be benign. c.3376A>T has been reported in the literature in individuals affected with Factor VIII Deficiency (Hemophilia A) and congenital hydrocephalus, without strong evidence for causality (Jin_2020,Johnsen_2022, Stefanucci_2023). These report(s) do not provide unequivocal conclusions about association of the variant with Factor VIII Deficiency (Hemophilia A). To our knowledge, no experimental evidence demonstrating an impact on protein function has been reported. The following publications have been ascertained in the context of this evaluation (PMID: 33077954, 35770352, 37647632). ClinVar contains an entry for this variant (Variation ID: 993870). Based on the evidence outlined above, the variant was classified as likely benign.

Blueprint Genetics
Classification: Likely benign. Last evaluated: 2024-09-18. Review status: criteria provided, single submitter. Criteria: ACMG Guidelines, 2015. Collection method: clinical testing. Allele origin: germline.

ARUP Laboratories, Molecular Genetics and Genomics, ARUP Laboratories
Classification: Likely benign for Hereditary factor VIII deficiency disease. Last evaluated: 2019-10-30. Review status: criteria provided, single submitter. Criteria: ARUP Molecular Germline Variant Investigation Process. Collection method: clinical testing. Allele origin: germline.

PreventionGenetics, part of Exact Sciences
Classification: Likely benign for F8-related condition. Last evaluated: 2022-12-12. Review status: no assertion criteria provided. Collection method: clinical testing. Allele origin: germline. Not counted in ClinVar's aggregate classification.
Comment: This variant is classified as likely benign based on ACMG/AMP sequence variant interpretation guidelines (Richards et al. 2015 PMID: 25741868, with internal and published modifications).

Literature cited by the submitters: PubMed 35770352 (cited by Women's Health and Genetics/Laboratory Corporation of America, LabCorp); PubMed 33077954 (cited by Women's Health and Genetics/Laboratory Corporation of America, LabCorp); PubMed 37647632 (cited by Women's Health and Genetics/Laboratory Corporation of America, LabCorp).

NM_000132.4(F8):c.3376A>T (p.Arg1126Trp)

Gene: F8 (coagulation factor VIII; minus strand). Cytogenetic location: Xq28.
Variant type: single nucleotide variant.
Coding change: c.3376A>T on transcript NM_000132.4 (MANE Select); coding-DNA position 3376, A replaced by T.
Protein change: p.Arg1126Trp; replaces arginine 1126 with tryptophan.
Molecular consequence: missense variant.
Genome position (GRCh38, 1-based): chrX:154,930,414, T>A on the plus strand (A>T on the coding strand, the complement: F8 is on the minus strand). VCF-style: chrX-154930414-T-A. GRCh37 (hg19) VCF-style: chrX-154158689-T-A.
Other names: c.3376A>T (NM_000132.3); short protein forms R1126W.
Identifiers: ClinVar variation 993870 (VCV000993870.12), dbSNP rs199630813, ClinGen allele CA10568219.